The following is an entry in ClinVar:

ClinVar aggregate classification (germline): Likely benign. Review status: criteria provided, multiple submitters, no conflicts (2 of 4 stars). 2 submissions from 2 submitters: Likely benign (2). Last evaluated 2025-09-03.

Allele frequency attached by ClinVar (database versions not stated): gnomAD 0.00001; gnomAD exomes 0.00001; TOPMed 0.00001.
gnomAD v4.1: 13 of 1,614,114 alleles (0.00081%); highest among the groups gnomAD compares: Non-Finnish European, 0.001%; no homozygotes.

Submissions (2):

Mayo Clinic Laboratories, Mayo Clinic
Classification: Likely benign. Last evaluated: 2025-09-03. Review status: criteria provided, single submitter. Criteria: ACMG Guidelines, 2015. Collection method: clinical testing. Allele origin: germline. Observed: 1 variant allele.
Comment: BP4, BP7, PM2_supporting

Labcorp Genetics (formerly Invitae), Labcorp
Classification: Likely benign. Last evaluated: 2024-07-06. Review status: criteria provided, single submitter. Criteria: Invitae Variant Classification Sherloc (09022015). Collection method: clinical testing. Allele origin: germline.

NM_177924.5(ASAH1):c.606A>G (p.Ser202=)

Gene: ASAH1 (N-acylsphingosine amidohydrolase 1; minus strand). Cytogenetic location: 8p22.
Variant type: single nucleotide variant.
Coding change: c.606A>G on transcript NM_177924.5 (MANE Select); coding-DNA position 606, A replaced by G.
Protein change: p.Ser202=; no amino-acid change (serine 202 retained).
Molecular consequence: synonymous variant.
Genome position (GRCh38, 1-based): chr8:18,062,321, T>C on the plus strand (A>G on the coding strand, the complement: ASAH1 is on the minus strand). VCF-style: chr8-18062321-T-C. GRCh37 (hg19) VCF-style: chr8-17919830-T-C.
Other names: p.Ser202=; c.588A>G, p.Ser196= (NM_001127505.3); c.411A>G, p.Ser137= (NM_001363743.2); c.654A>G, p.Ser218= (NM_004315.6).
Identifiers: ClinVar variation 1574637 (VCV001574637.9), dbSNP rs983781009, ClinGen allele CA173142144.
Genomic context (GRCh38, chr8:18,062,321, plus strand): 5'-TAACAACAGACTCCTTACTGGTTTGAATCCTGTTAACATGCCCACATAGCCAGCAAAGCT[T>C]GAAGCCTTGAAGACAGTTTTGTTGTTTCTTTGGAAATCCAAATTCACTGTTAAAGGTTTT-3'
Protein context (NP_808592.2, residues 192-212): QRNNKTVFKA[Ser202=]SFAGYVGMLT